The following is an entry in ClinVar:

ClinVar aggregate classification (germline): Uncertain significance. Review status: criteria provided, multiple submitters, no conflicts (2 of 4 stars). 2 submissions from 2 submitters: Uncertain significance (2). Last evaluated 2024-12-10.

Conditions:
Primary ciliary dyskinesia. Also called: Ciliary dyskinesia. Identifiers: Orphanet 244, MedGen C0008780, MONDO:0016575, HP:0012265.

Allele frequency attached by ClinVar (database versions not stated): gnomAD 0.00007.
gnomAD v4.1: 16 of 1,566,662 alleles (0.001%); highest among the groups gnomAD compares: Admixed American, 0.031%; no homozygotes.

Submissions (2):

Ambry Genetics
Classification: Uncertain significance. Last evaluated: 2024-12-10. Review status: criteria provided, single submitter. Criteria: Ambry Variant Classification Scheme 2023. Collection method: clinical testing. Allele origin: germline.

Labcorp Genetics (formerly Invitae), Labcorp
Classification: Uncertain significance for Primary ciliary dyskinesia. Last evaluated: 2024-11-17. Review status: criteria provided, single submitter. Criteria: Invitae Variant Classification Sherloc (09022015). Collection method: clinical testing. Allele origin: germline.
Comment: This sequence change replaces aspartic acid, which is acidic and polar, with tyrosine, which is neutral and polar, at codon 540 of the DNAH8 protein (p.Asp540Tyr). This variant is present in population databases (no rsID available, gnomAD 0.01%). This variant has not been reported in the literature in individuals affected with DNAH8-related conditions. ClinVar contains an entry for this variant (Variation ID: 2057475). Experimental studies and prediction algorithms are not available or were not evaluated, and the functional significance of this variant is currently unknown. Algorithms developed to predict the effect of sequence changes on RNA splicing suggest that this variant may disrupt the consensus splice site. In summary, the available evidence is currently insufficient to determine the role of this variant in disease. Therefore, it has been classified as a Variant of Uncertain Significance.

NM_001206927.2(DNAH8):c.1618G>T (p.Asp540Tyr)

Gene: DNAH8 (dynein axonemal heavy chain 8; plus strand). Cytogenetic location: 6p21.2.
Variant type: single nucleotide variant.
Coding change: c.1618G>T on transcript NM_001206927.2 (MANE Select); coding-DNA position 1618, G replaced by T.
Protein change: p.Asp540Tyr; replaces aspartic acid 540 with tyrosine.
Molecular consequence: missense variant.
Genome position (GRCh38, 1-based): chr6:38,770,413, G>T. VCF-style: chr6-38770413-G-T. GRCh37 (hg19) VCF-style: chr6-38738189-G-T.
Other names: c.967G>T, p.Asp323Tyr (NM_001371.4); c.1618G>T (NM_001206927.1); short protein forms D323Y, D540Y.
Identifiers: ClinVar variation 2057475 (VCV002057475.5), dbSNP rs1207266323, ClinGen allele CA363987850.